The following is an entry in ClinVar:

NM_001127208.3(TET2):c.4075C>T (p.Arg1359Cys)

Genes: TET2 (tet methylcytosine dioxygenase 2; plus strand), TET2-AS1 (TET2 antisense RNA 1; minus strand). Cytogenetic location: 4q24.
Variant type: single nucleotide variant.
Coding change: c.4075C>T on transcript NM_001127208.3 (MANE Select); coding-DNA position 4075, C replaced by T.
Protein change: p.Arg1359Cys; replaces arginine 1359 with cysteine.
Molecular consequence: missense variant.
Genome position (GRCh38, 1-based): chr4:105,269,640, C>T. VCF-style: chr4-105269640-C-T. GRCh37 (hg19) VCF-style: chr4-106190797-C-T.
Other names: short protein forms R1359C.
Identifiers: ClinVar variation 2997649 (VCV002997649.3), dbSNP rs759658003, ClinGen allele CA357809384.

ClinVar aggregate classification (germline): Uncertain significance (1 of 4 stars; one submission).

gnomAD v4.1: 12 of 1,551,298 alleles (0.00077%); highest among the groups gnomAD compares: Non-Finnish European, 0.001%; no homozygotes.

Submission:

Labcorp Genetics (formerly Invitae), Labcorp
Classification: Uncertain significance. Last evaluated: 2024-02-09. Review status: criteria provided, single submitter. Criteria: Invitae Variant Classification Sherloc (09022015). Collection method: clinical testing. Allele origin: germline.
Comment: This sequence change replaces arginine, which is basic and polar, with cysteine, which is neutral and slightly polar, at codon 1359 of the TET2 protein (p.Arg1359Cys). The frequency data for this variant in the population databases is considered unreliable, as metrics indicate poor data quality at this position in the gnomAD database. This variant has not been reported in the literature in individuals affected with TET2-related conditions. An algorithm developed to predict the effect of missense changes on protein structure and function (PolyPhen-2) suggests that this variant is likely to be disruptive. In summary, the available evidence is currently insufficient to determine the role of this variant in disease. Therefore, it has been classified as a Variant of Uncertain Significance.